The following is an entry in ClinVar:

NM_024642.5(GALNT12):c.347G>T (p.Arg116Leu)

Gene: GALNT12 (polypeptide N-acetylgalactosaminyltransferase 12; plus strand). Cytogenetic location: 9q22.33.
Variant type: single nucleotide variant.
Coding change: c.347G>T on transcript NM_024642.5 (MANE Select); coding-DNA position 347, G replaced by T.
Protein change: p.Arg116Leu; replaces arginine 116 with leucine.
Molecular consequence: missense variant.
Genome position (GRCh38, 1-based): chr9:98,808,045, G>T. VCF-style: chr9-98808045-G-T. GRCh37 (hg19) VCF-style: chr9-101570327-G-T.
Other names: short protein forms R116L.
Identifiers: ClinVar variation 1731839 (VCV001731839.6), dbSNP rs1421429267, ClinGen allele CA374223094.

ClinVar aggregate classification (germline): Uncertain significance. Review status: criteria provided, multiple submitters, no conflicts (2 of 4 stars). 3 submissions from 3 submitters: Uncertain significance (3). Last evaluated 2024-02-29.

Conditions:
Colorectal cancer, susceptibility to, 1. Also called: COLORECTAL ADENOMA AND CANCER, SUSCEPTIBILITY TO; COLORECTAL CANCER, SUSCEPTIBILITY TO, ON CHROMOSOME 9. Identifiers: MedGen C1837315, MONDO:0012132, OMIM 608812.

gnomAD v4.1: 1 of 1,580,562 alleles (0.000063%); highest among the groups gnomAD compares: Admixed American, 0.0018%; no homozygotes.

Submissions (3):

Baylor Genetics
Classification: Uncertain significance for Colorectal cancer, susceptibility to, 1. Last evaluated: 2024-02-29. Review status: criteria provided, single submitter. Criteria: ACMG Guidelines, 2015. Collection method: clinical testing. Allele origin: unknown.

Ambry Genetics
Classification: Uncertain significance. Last evaluated: 2024-01-30. Review status: criteria provided, single submitter. Criteria: Ambry Variant Classification Scheme 2023. Collection method: clinical testing. Allele origin: germline.
Comment: The p.R116L variant (also known as c.347G>T), located in coding exon 1 of the GALNT12 gene, results from a G to T substitution at nucleotide position 347. The arginine at codon 116 is replaced by leucine, an amino acid with dissimilar properties. This amino acid position is conserved. In addition, this alteration is predicted to be tolerated by in silico analysis. Since supporting evidence is limited at this time, the clinical significance of this alteration remains unclear.

Labcorp Genetics (formerly Invitae), Labcorp
Classification: Uncertain significance. Last evaluated: 2023-10-17. Review status: criteria provided, single submitter. Criteria: Invitae Variant Classification Sherloc (09022015). Collection method: clinical testing. Allele origin: germline.
Comment: This sequence change replaces arginine, which is basic and polar, with leucine, which is neutral and non-polar, at codon 116 of the GALNT12 protein (p.Arg116Leu). The frequency data for this variant in the population databases is considered unreliable, as metrics indicate poor data quality at this position in the gnomAD database. This variant has not been reported in the literature in individuals affected with GALNT12-related conditions. ClinVar contains an entry for this variant (Variation ID: 1731839). Advanced modeling of protein sequence and biophysical properties (such as structural, functional, and spatial information, amino acid conservation, physicochemical variation, residue mobility, and thermodynamic stability) performed at Invitae indicates that this missense variant is not expected to disrupt GALNT12 protein function. In summary, the available evidence is currently insufficient to determine the role of this variant in disease. Therefore, it has been classified as a Variant of Uncertain Significance.